The following is an entry in ClinVar:

ClinVar aggregate classification (germline): Pathogenic (1 of 4 stars; one submission).

Submission:

Labcorp Genetics (formerly Invitae), Labcorp
Classification: Pathogenic. Last evaluated: 2022-03-27. Review status: criteria provided, single submitter. Criteria: Invitae Variant Classification Sherloc (09022015). Collection method: clinical testing. Allele origin: germline.
Comment: For these reasons, this variant has been classified as Pathogenic. This variant has not been reported in the literature in individuals affected with COL4A3-related conditions. This variant is not present in population databases (gnomAD no frequency). This sequence change creates a premature translational stop signal (p.Cys1493Leufs*17) in the COL4A3 gene. It is expected to result in an absent or disrupted protein product. Loss-of-function variants in COL4A3 are known to be pathogenic (PMID: 8956999, 24854265, 26809805, 27281700).

Literature cited by the submitters: PubMed 8956999; PubMed 24854265; PubMed 26809805; PubMed 27281700.

NM_000091.5(COL4A3):c.4477dup (p.Cys1493fs)

Genes: COL4A3 (collagen type IV alpha 3 chain; plus strand), MFF-DT (MFF divergent transcript; minus strand). Cytogenetic location: 2q36.3.
Variant type: Duplication.
Coding change: c.4477dup on transcript NM_000091.5 (MANE Select); coding-DNA position 4477, one base duplicated (T; older notation c.4477dupT).
Protein change: p.Cys1493fs; shifts the reading frame from cysteine 1493.
Molecular consequence: frameshift variant.
Genome position (GRCh38, 1-based): chr2:227,308,913, T duplicated. VCF-style (leftmost placement, unchanged base first): chr2-227308912-C-CT. GRCh37 (hg19) VCF-style: chr2-228173628-C-CT.
Other names: short protein forms C1493fs.
Identifiers: ClinVar variation 2118020 (VCV002118020.4), dbSNP rs2469936841, ClinGen allele CA2580065904.
Genomic context (GRCh38, chr2:227,308,912, plus strand): 5'-ATAACTTTAACTTACTGAAAGTGATACTCAGTCTGATGTTTCATTAGGAACTCTTGGCAG[C>CT]TGCCTGCAGCGATTTACCACAATGCCATTCTTATTCTGCAATGTCAATGATGTATGTAAT-3'